The following is an entry in ClinVar:

ClinVar aggregate classification (germline): Uncertain significance. Review status: criteria provided, multiple submitters, no conflicts (2 of 4 stars). 3 submissions from 3 submitters: Uncertain significance (3). Last evaluated 2025-06-16.

Conditions:
Hereditary cancer-predisposing syndrome. Also called: Neoplastic Syndromes, Hereditary; Hereditary neoplastic syndrome; Tumor predisposition; Hereditary Cancer Syndrome. Identifiers: Orphanet 140162, MedGen C0027672, MeSH D009386, MONDO:0015356.
Tuberous sclerosis 2 (TSC2). Identifiers: Orphanet 805, MedGen C1860707, MONDO:0013199, OMIM 613254.

gnomAD v4.1: 1 of 1,591,042 alleles (0.000063%); highest among the groups gnomAD compares: Non-Finnish European, 0.000085%; no homozygotes.

Submissions (3):

Dasa
Classification: Uncertain significance for Tuberous sclerosis 2. Last evaluated: 2025-06-16. Review status: criteria provided, single submitter. Criteria: DASA Assertion Criteria. Collection method: clinical testing. Allele origin: germline.
Comment: NM_000548.5(TSC2):c.5188T>C (p.Ser1730Pro) is a missense variant that results in the substitution of serine with proline. This variant is rare in population databases. Computational prediction algorithms are consistent with a deleterious effect. The currently available literature and clinical evidence are not sufficient to establish a definitive association between this variant and the reported condition. Therefore, this variant is classified as a variant of uncertain significance.

Ambry Genetics
Classification: Uncertain significance for Hereditary cancer-predisposing syndrome. Last evaluated: 2023-09-13. Review status: criteria provided, single submitter. Criteria: Ambry Variant Classification Scheme 2023. Collection method: clinical testing. Allele origin: germline.
Comment: The p.S1730P variant (also known as c.5188T>C), located in coding exon 40 of the TSC2 gene, results from a T to C substitution at nucleotide position 5188. The serine at codon 1730 is replaced by proline, an amino acid with similar properties. This amino acid position is not well conserved in available vertebrate species. In addition, this alteration is predicted to be deleterious by in silico analysis. Since supporting evidence is limited at this time, the clinical significance of this alteration remains unclear.

Labcorp Genetics (formerly Invitae), Labcorp
Classification: Uncertain significance for Tuberous sclerosis 2. Last evaluated: 2020-12-31. Review status: criteria provided, single submitter. Criteria: Invitae Variant Classification Sherloc (09022015). Collection method: clinical testing. Allele origin: germline.
Comment: This sequence change replaces serine with proline at codon 1730 of the TSC2 protein (p.Ser1730Pro). The serine residue is moderately conserved and there is a moderate physicochemical difference between serine and proline. This variant is not present in population databases (ExAC no frequency). This variant has not been reported in the literature in individuals with TSC2-related conditions. Advanced modeling of protein sequence and biophysical properties (such as structural, functional, and spatial information, amino acid conservation, physicochemical variation, residue mobility, and thermodynamic stability) performed at Invitae indicates that this missense variant is not expected to disrupt TSC2 protein function. In summary, the available evidence is currently insufficient to determine the role of this variant in disease. Therefore, it has been classified as a Variant of Uncertain Significance.

NM_000548.5(TSC2):c.5188T>C (p.Ser1730Pro)

Gene: TSC2 (TSC complex subunit 2; plus strand). Cytogenetic location: 16p13.3.
Variant type: single nucleotide variant.
Coding change: c.5188T>C on transcript NM_000548.5 (MANE Select); coding-DNA position 5188, T replaced by C.
Protein change: p.Ser1730Pro; replaces serine 1730 with proline.
Molecular consequence: missense variant.
Genome position (GRCh38, 1-based): chr16:2,088,254, T>C. VCF-style: chr16-2088254-T-C. GRCh37 (hg19) VCF-style: chr16-2138255-T-C.
Other names: c.4987T>C, p.Ser1663Pro (NM_001077183.3); c.5119T>C, p.Ser1707Pro (NM_001114382.3); c.4879T>C, p.Ser1627Pro (NM_001318827.2); c.4843T>C, p.Ser1615Pro (NM_001318829.2); c.4456T>C, p.Ser1486Pro (NM_001318831.2); c.5020T>C, p.Ser1674Pro (NM_001318832.2); c.4990T>C, p.Ser1664Pro (NM_001363528.2); c.5056T>C, p.Ser1686Pro (NM_001370404.1); and 2 more; short protein forms S1615P, S1663P, S1674P, S1664P, S1683P, S1707P, S1730P, S1486P.
Identifiers: ClinVar variation 1499281 (VCV001499281.12), dbSNP rs2151628975, ClinGen allele CA394314140.